The following is an entry in ClinVar:

NM_015015.3(KDM4B):c.190G>A (p.Asp64Asn)

Gene: KDM4B (lysine demethylase 4B; plus strand). Cytogenetic location: 19p13.3.
Variant type: single nucleotide variant.
Coding change: c.190G>A on transcript NM_015015.3 (MANE Select); coding-DNA position 190, G replaced by A.
Protein change: p.Asp64Asn; replaces aspartic acid 64 with asparagine.
Molecular consequence: missense variant.
Genome position (GRCh38, 1-based): chr19:5,039,884, G>A. VCF-style: chr19-5039884-G-A. GRCh37 (hg19) VCF-style: chr19-5039895-G-A.
Other names: c.190G>A, p.Asp64Asn (NM_001370093.1, NM_001370094.1, NM_001411148.1); short protein forms D64N.
Identifiers: ClinVar variation 3361470 (VCV003361470.1).

ClinVar aggregate classification (germline): Uncertain significance (1 of 4 stars; one submission).

gnomAD v4.1: 2 of 1,612,972 alleles (0.00012%); highest among the groups gnomAD compares: Non-Finnish European, 0.00017%; no homozygotes.

Submission:

GeneDx
Classification: Uncertain significance. Last evaluated: 2023-07-25. Review status: criteria provided, single submitter. Criteria: GeneDx Variant Classification Process June 2021. Collection method: clinical testing. Allele origin: germline. Affected: yes.
Comment: Not observed at significant frequency in large population cohorts (gnomAD); In silico analysis supports that this missense variant has a deleterious effect on protein structure/function; Has not been previously published as pathogenic or benign to our knowledge